The following is an entry in ClinVar:

NM_001394062.1(MACF1):c.17958T>G (p.Ala5986=)

Gene: MACF1 (microtubule actin crosslinking factor 1; plus strand). Cytogenetic location: 1p34.3.
Variant type: single nucleotide variant.
Coding change: c.17958T>G on transcript NM_001394062.1 (MANE Select); coding-DNA position 17958, T replaced by G.
Protein change: p.Ala5986=; no amino-acid change (alanine 5986 retained).
Molecular consequence: synonymous variant.
Genome position (GRCh38, 1-based): chr1:39,435,731, T>G. VCF-style: chr1-39435731-T-G. GRCh37 (hg19) VCF-style: chr1-39901403-T-G.
Other names: c.6027T>G, p.Ala2009= (NM_001397473.1); c.11772T>G, p.Ala3924= (NM_012090.5).
Identifiers: ClinVar variation 4986459 (VCV004986459.1).

ClinVar aggregate classification (germline): Likely benign (1 of 4 stars; one submission).

Conditions:
MACF1-related disorder. Also called: MACF1-related condition.

gnomAD v4.1: 6 of 1,614,106 alleles (0.00037%); highest among the groups gnomAD compares: Non-Finnish European, 0.00051%; no homozygotes.

Submission:

PreventionGenetics, part of Exact Sciences
Classification: Likely benign for MACF1-related condition. Last evaluated: 2026-05-13. Review status: criteria provided, single submitter. Criteria: ACMG Guidelines, 2015. Collection method: clinical testing. Allele origin: germline.
Comment: This variant is classified as likely benign based on ACMG/AMP sequence variant interpretation guidelines (Richards et al. 2015 PMID: 25741868, with internal and published modifications).